The following is an entry in ClinVar:

NM_024809.5(TCTN2):c.200C>T (p.Pro67Leu)

Gene: TCTN2 (tectonic family member 2; plus strand). Cytogenetic location: 12q24.31.
Variant type: single nucleotide variant.
Coding change: c.200C>T on transcript NM_024809.5 (MANE Select); coding-DNA position 200, C replaced by T.
Protein change: p.Pro67Leu; replaces proline 67 with leucine.
Molecular consequence: missense variant.
Genome position (GRCh38, 1-based): chr12:123,672,065, C>T. VCF-style: chr12-123672065-C-T. GRCh37 (hg19) VCF-style: chr12-124156612-C-T.
Other names: c.200C>T, p.Pro67Leu (NM_001143850.3); short protein forms P67L.
Identifiers: ClinVar variation 1393000 (VCV001393000.3), dbSNP rs772417842, ClinGen allele CA6860819.

ClinVar aggregate classification (germline): Uncertain significance (1 of 4 stars; one submission).

Conditions:
Joubert syndrome. Also called: CEREBELLOPARENCHYMAL DISORDER IV; JOUBERT-BOLTSHAUSER SYNDROME; Familial aplasia of the vermis. Identifiers: Orphanet 475, MedGen C5979921, MONDO:0018772.
Meckel-Gruber syndrome. Also called: DYSENCEPHALIA SPLANCHNOCYSTICA; GRUBER SYNDROME; Dysencephalia splachnocystica. Identifiers: Orphanet 564, MedGen C0265215, MONDO:0018921.

Allele frequency attached by ClinVar (database versions not stated): TOPMed 0.00001.
gnomAD v4.1: 6 of 1,614,082 alleles (0.00037%); highest among the groups gnomAD compares: Admixed American, 0.0083%; no homozygotes.

Submission:

Labcorp Genetics (formerly Invitae), Labcorp
Classification: Uncertain significance for Joubert syndrome; Meckel-Gruber syndrome. Last evaluated: 2022-07-06. Review status: criteria provided, single submitter. Criteria: Invitae Variant Classification Sherloc (09022015). Collection method: clinical testing. Allele origin: germline.
Comment: This sequence change replaces proline, which is neutral and non-polar, with leucine, which is neutral and non-polar, at codon 67 of the TCTN2 protein (p.Pro67Leu). This variant is present in population databases (rs772417842, gnomAD 0.01%). This variant has not been reported in the literature in individuals affected with TCTN2-related conditions. ClinVar contains an entry for this variant (Variation ID: 1393000). Algorithms developed to predict the effect of missense changes on protein structure and function are either unavailable or do not agree on the potential impact of this missense change (SIFT: "Deleterious"; PolyPhen-2: "Benign"; Align-GVGD: "Class C0"). In summary, the available evidence is currently insufficient to determine the role of this variant in disease. Therefore, it has been classified as a Variant of Uncertain Significance.